The following is an entry in ClinVar:

NM_001365276.2(TNXB):c.910G>A (p.Glu304Lys)

Gene: TNXB (tenascin XB; minus strand). Cytogenetic location: 6p21.33.
Variant type: single nucleotide variant.
Coding change: c.910G>A on transcript NM_001365276.2 (MANE Select); coding-DNA position 910, G replaced by A.
Protein change: p.Glu304Lys; replaces glutamic acid 304 with lysine.
Molecular consequence: missense variant.
Genome position (GRCh38, 1-based): chr6:32,096,943, C>T on the plus strand (G>A on the coding strand, the complement: TNXB is on the minus strand). VCF-style: chr6-32096943-C-T. GRCh37 (hg19) VCF-style: chr6-32064720-C-T.
Other names: c.910G>A, p.Glu304Lys (NM_019105.8); short protein forms E304K.
Identifiers: ClinVar variation 1182119 (VCV001182119.5), dbSNP rs907925140, ClinGen allele CA363484820.

ClinVar aggregate classification (germline): Uncertain significance. Review status: criteria provided, multiple submitters, no conflicts (2 of 4 stars). 2 submissions from 2 submitters: Uncertain significance (2). Last evaluated 2024-04-10.

Conditions:
Cardiovascular phenotype. Identifiers: MedGen CN230736.

Allele frequency attached by ClinVar (database versions not stated): gnomAD exomes below 0.00001 and 0.00001.
gnomAD v4.1: 11 of 1,594,072 alleles (0.00069%); highest among the groups gnomAD compares: Non-Finnish European, 0.00086%; no homozygotes.

Submissions (2):

GeneDx
Classification: Uncertain significance. Last evaluated: 2024-04-10. Review status: criteria provided, single submitter. Criteria: GeneDx Variant Classification Process June 2021. Collection method: clinical testing. Allele origin: germline. Affected: yes.
Comment: Has not been previously published as pathogenic or benign to our knowledge; In silico analysis supports that this missense variant has a deleterious effect on protein structure/function; Not observed at significant frequency in large population cohorts (gnomAD)

Ambry Genetics
Classification: Uncertain significance for Cardiovascular phenotype. Last evaluated: 2023-06-22. Review status: criteria provided, single submitter. Criteria: Ambry Variant Classification Scheme 2023. Collection method: clinical testing. Allele origin: germline.
Comment: The p.E304K variant (also known as c.910G>A), located in coding exon 2 of the TNXB gene, results from a G to A substitution at nucleotide position 910. The glutamic acid at codon 304 is replaced by lysine, an amino acid with similar properties. This amino acid position is conserved. In addition, this alteration is predicted to be tolerated by in silico analysis. Since supporting evidence is limited at this time, the clinical significance of this alteration remains unclear.